The following is an entry in ClinVar:

ClinVar aggregate classification (germline): Uncertain significance (1 of 4 stars; one submission).

Conditions:
Lipoic acid synthetase deficiency. Also called: HYPERGLYCINEMIA, LACTIC ACIDOSIS, AND SEIZURES. Identifiers: Orphanet 401859, MedGen C3280887, MONDO:0013762, OMIM 614462.

Submission:

Labcorp Genetics (formerly Invitae), Labcorp
Classification: Uncertain significance for Lipoic acid synthetase deficiency. Last evaluated: 2021-08-30. Review status: criteria provided, single submitter. Criteria: Invitae Variant Classification Sherloc (09022015). Collection method: clinical testing. Allele origin: germline.
Comment: This sequence change replaces arginine with threonine at codon 314 of the LIAS protein (p.Arg314Thr). The arginine residue is weakly conserved and there is a moderate physicochemical difference between arginine and threonine. This variant is not present in population databases (ExAC no frequency). This variant has not been reported in the literature in individuals affected with LIAS-related conditions. Algorithms developed to predict the effect of missense changes on protein structure and function are either unavailable or do not agree on the potential impact of this missense change (SIFT: "Deleterious"; PolyPhen-2: "Benign"; Align-GVGD: "Class C0"). In summary, the available evidence is currently insufficient to determine the role of this variant in disease. Therefore, it has been classified as a Variant of Uncertain Significance.

NM_006859.4(LIAS):c.941G>C (p.Arg314Thr)

Gene: LIAS (lipoic acid synthetase; plus strand). Cytogenetic location: 4p14.
Variant type: single nucleotide variant.
Coding change: c.941G>C on transcript NM_006859.4 (MANE Select); coding-DNA position 941, G replaced by C.
Protein change: p.Arg314Thr; replaces arginine 314 with threonine.
Molecular consequence: missense variant.
Genome position (GRCh38, 1-based): chr4:39,471,293, G>C. VCF-style: chr4-39471293-G-C. GRCh37 (hg19) VCF-style: chr4-39472913-G-C.
Other names: c.812G>C, p.Arg271Thr (NM_001278590.2); c.632G>C, p.Arg211Thr (NM_001363700.2); c.941G>C, p.Arg314Thr (NM_194451.3); short protein forms R211T, R271T, R314T.
Identifiers: ClinVar variation 1062808 (VCV001062808.4), dbSNP rs2109884619, ClinGen allele CA356665581.